The following is an entry in ClinVar:

ClinVar aggregate classification (germline): Uncertain significance. Review status: criteria provided, multiple submitters, no conflicts (2 of 4 stars). 4 submissions from 4 submitters: Uncertain significance (4). Last evaluated 2024-12-16.

Conditions:
Cardiovascular phenotype. Identifiers: MedGen CN230736.

Allele frequency attached by ClinVar (database versions not stated): gnomAD 0.00003; TOPMed 0.00004; gnomAD exomes 0.00005 and 0.00006; ExAC 0.00010; 1000 Genomes Project 30x 0.00016; 1000 Genomes Project 0.00020.
gnomAD v4.1: 77 of 1,550,508 alleles (0.005%); highest among the groups gnomAD compares: East Asian, 0.0098%; no homozygotes.

Submissions (4):

Women's Health and Genetics/Laboratory Corporation of America, LabCorp
Classification: Uncertain significance. Last evaluated: 2024-12-16. Review status: criteria provided, single submitter. Criteria: LabCorp Variant Classification Summary - May 2015. Collection method: clinical testing. Allele origin: germline.
Comment: Variant summary: ZNF469 c.4615G>A (p.Ala1539Thr) results in a non-conservative amino acid change in the encoded protein sequence. Three of four in-silico tools predict a benign effect of the variant on protein function. The variant allele was found at a frequency of 6.5e-05 in 153986 control chromosomes (gnomAD). To our knowledge, no occurrence of c.4615G>A in individuals affected with Brittle cornea syndrome 1 and no experimental evidence demonstrating its impact on protein function have been reported. ClinVar contains an entry for this variant (Variation ID: 1451003). Based on the evidence outlined above, the variant was classified as uncertain significance.

Ambry Genetics
Classification: Uncertain significance for Cardiovascular phenotype. Last evaluated: 2024-09-27. Review status: criteria provided, single submitter. Criteria: Ambry Variant Classification Scheme 2023. Collection method: clinical testing. Allele origin: germline.

GeneDx
Classification: Uncertain significance. Last evaluated: 2022-11-29. Review status: criteria provided, single submitter. Criteria: GeneDx Variant Classification Process June 2021. Collection method: clinical testing. Allele origin: germline. Affected: yes.
Comment: In silico analysis supports that this missense variant does not alter protein structure/function; Has not been previously published as pathogenic or benign to our knowledge

Labcorp Genetics (formerly Invitae), Labcorp
Classification: Uncertain significance. Last evaluated: 2021-10-20. Review status: criteria provided, single submitter. Criteria: Invitae Variant Classification Sherloc (09022015). Collection method: clinical testing. Allele origin: germline.
Comment: This sequence change replaces alanine with threonine at codon 1511 of the ZNF469 protein (p.Ala1511Thr). The alanine residue is weakly conserved and there is a small physicochemical difference between alanine and threonine. This variant is present in population databases (rs559565235, ExAC 0.2%). This variant has not been reported in the literature in individuals affected with ZNF469-related conditions. Algorithms developed to predict the effect of missense changes on protein structure and function (SIFT, PolyPhen-2, Align-GVGD) all suggest that this variant is likely to be tolerated. In summary, the available evidence is currently insufficient to determine the role of this variant in disease. Therefore, it has been classified as a Variant of Uncertain Significance.

NM_001367624.2(ZNF469):c.4615G>A (p.Ala1539Thr)

Gene: ZNF469 (zinc finger protein 469; plus strand). Cytogenetic location: 16q24.2.
Variant type: single nucleotide variant.
Coding change: c.4615G>A on transcript NM_001367624.2 (MANE Select); coding-DNA position 4615, G replaced by A.
Protein change: p.Ala1539Thr; replaces alanine 1539 with threonine.
Molecular consequence: missense variant.
Genome position (GRCh38, 1-based): chr16:88,432,085, G>A. VCF-style: chr16-88432085-G-A. GRCh37 (hg19) VCF-style: chr16-88498493-G-A.
Other names: NM_001127464.1:c.4531G>A; short protein forms A1539T.
Identifiers: ClinVar variation 1451003 (VCV001451003.10), dbSNP rs559565235, ClinGen allele CA8224989.